The following is an entry in ClinVar:

ClinVar aggregate classification (germline): Uncertain significance (1 of 4 stars; one submission).

Allele frequency attached by ClinVar (database versions not stated): gnomAD exomes below 0.00001; gnomAD 0.00001; TOPMed 0.00001.
gnomAD v4.1: 6 of 1,613,844 alleles (0.00037%); highest among the groups gnomAD compares: Admixed American, 0.0033%; no homozygotes.

Submission:

Labcorp Genetics (formerly Invitae), Labcorp
Classification: Uncertain significance. Last evaluated: 2022-08-21. Review status: criteria provided, single submitter. Criteria: Invitae Variant Classification Sherloc (09022015). Collection method: clinical testing. Allele origin: germline.
Comment: In summary, the available evidence is currently insufficient to determine the role of this variant in disease. Therefore, it has been classified as a Variant of Uncertain Significance. This sequence change replaces valine, which is neutral and non-polar, with isoleucine, which is neutral and non-polar, at codon 148 of the POP1 protein (p.Val148Ile). This variant is present in population databases (no rsID available, gnomAD 0.003%). This variant has not been reported in the literature in individuals affected with POP1-related conditions. ClinVar contains an entry for this variant (Variation ID: 1389910). Algorithms developed to predict the effect of missense changes on protein structure and function output the following: SIFT: "Tolerated"; PolyPhen-2: "Benign"; Align-GVGD: "Class C0". The isoleucine amino acid residue is found in multiple mammalian species, which suggests that this missense change does not adversely affect protein function.

NM_001145860.2(POP1):c.442G>A (p.Val148Ile)

Gene: POP1 (POP1 ribonuclease P/MRP subunit; plus strand). Cytogenetic location: 8q22.2.
Variant type: single nucleotide variant.
Coding change: c.442G>A on transcript NM_001145860.2 (MANE Select); coding-DNA position 442, G replaced by A.
Protein change: p.Val148Ile; replaces valine 148 with isoleucine.
Molecular consequence: missense variant.
Genome position (GRCh38, 1-based): chr8:98,128,496, G>A. VCF-style: chr8-98128496-G-A. GRCh37 (hg19) VCF-style: chr8-99140724-G-A.
Other names: c.442G>A, p.Val148Ile (NM_001145861.2, NM_015029.3); short protein forms V148I.
Identifiers: ClinVar variation 1389910 (VCV001389910.6), dbSNP rs1364201080, ClinGen allele CA371788785.